The following is an entry in ClinVar:

NM_001002294.3(FMO3):c.1279C>T (p.Gln427Ter)

Gene: FMO3 (flavin containing dimethylaniline monoxygenase 3; plus strand). Cytogenetic location: 1q24.3.
Variant type: single nucleotide variant.
Coding change: c.1279C>T on transcript NM_001002294.3 (MANE Select); coding-DNA position 1279, C replaced by T.
Protein change: p.Gln427Ter; replaces glutamine 427 with a stop codon.
Molecular consequence: nonsense.
Genome position (GRCh38, 1-based): chr1:171,117,122, C>T. VCF-style: chr1-171117122-C-T. GRCh37 (hg19) VCF-style: chr1-171086262-C-T.
Other names: c.1219C>T, p.Gln407Ter (NM_001319173.2); c.1090C>T, p.Gln364Ter (NM_001319174.2); c.1279C>T, p.Gln427Ter (NM_006894.6); short protein forms Q407*, Q364*, Q427*.
Identifiers: ClinVar variation 5004335 (VCV005004335.1).

ClinVar aggregate classification (germline): Pathogenic (1 of 4 stars; one submission).

Conditions:
Trimethylaminuria (TMAU). Also called: FISH-ODOR SYNDROME; Primary Trimethylaminuria; Fish malodor syndrome; Stale fish syndrome; TMAuria. Identifiers: MedGen C0342739, MONDO:0011182, OMIM 602079, HP:0003614. Disease mechanism: loss of function.

Submission:

Myriad Genetics, Inc.
Classification: Pathogenic for Trimethylaminuria. Last evaluated: 2025-12-17. Review status: criteria provided, single submitter. Criteria: Myriad Autosomal Dominant, Autosomal Recessive and X-Linked Classification Criteria (2023). Collection method: clinical testing. Allele origin: unknown.
Comment: NM_001002294.2(FMO3):c.1279C>T(Q427*) is a nonsense variant classified as pathogenic in the context of primary trimethylaminuria. Q427* has not been observed in cases with relevant disease. Relevant functional assessments of this variant are not available in the literature. Q427* has not been observed in referenced population frequency databases. In summary, NM_001002294.2(FMO3):c.1279C>T(Q427*) is a nonsense variant in a gene where loss of function is a known mechanism of disease and is predicted to disrupt protein function. Please note: this variant was assessed in the context of healthy population screening.